The following is an entry in ClinVar:

NM_014263.4(YME1L1):c.1414G>A (p.Val472Ile)

Gene: YME1L1 (YME1 like 1 ATPase; minus strand). Cytogenetic location: 10p12.1.
Variant type: single nucleotide variant.
Coding change: c.1414G>A on transcript NM_014263.4 (MANE Select); coding-DNA position 1414, G replaced by A.
Protein change: p.Val472Ile; replaces valine 472 with isoleucine.
Molecular consequence: missense variant.
Genome position (GRCh38, 1-based): chr10:27,119,447, C>T on the plus strand (G>A on the coding strand, the complement: YME1L1 is on the minus strand). VCF-style: chr10-27119447-C-T. GRCh37 (hg19) VCF-style: chr10-27408376-C-T.
Other names: c.1315G>A, p.Val439Ile (NM_001253866.2); c.1585G>A, p.Val529Ile (NM_139312.3); short protein forms V472I, V529I, V439I.
Identifiers: ClinVar variation 2050909 (VCV002050909.5), dbSNP rs145456417, ClinGen allele CA5449315.

ClinVar aggregate classification (germline): Conflicting classifications of pathogenicity. Review status: criteria provided, conflicting classifications (1 of 4 stars). 2 submissions from 2 submitters: Uncertain significance (1); Likely benign (1). Last evaluated 2024-05-13.

Allele frequency attached by ClinVar (database versions not stated): gnomAD exomes 0.00006; ExAC 0.00023; ESP Exome Variant Server 0.00038; gnomAD 0.00040; TOPMed 0.00048; 1000 Genomes Project 0.00220; 1000 Genomes Project 30x 0.00265.
gnomAD v4.1: 154 of 1,602,786 alleles (0.0096%); highest among the groups gnomAD compares: African/African-American, 0.12%; 2 homozygotes.

Submissions (2):

Blueprint Genetics
Classification: Likely benign. Last evaluated: 2024-05-13. Review status: criteria provided, single submitter. Criteria: ACMG Guidelines, 2015. Collection method: clinical testing. Allele origin: germline.

Labcorp Genetics (formerly Invitae), Labcorp
Classification: Uncertain significance. Last evaluated: 2022-05-25. Review status: criteria provided, single submitter. Criteria: Invitae Variant Classification Sherloc (09022015). Collection method: clinical testing. Allele origin: germline.
Comment: This variant has not been reported in the literature in individuals affected with YME1L1-related conditions. In summary, the available evidence is currently insufficient to determine the role of this variant in disease. Therefore, it has been classified as a Variant of Uncertain Significance. Algorithms developed to predict the effect of missense changes on protein structure and function output the following: SIFT: "Tolerated"; PolyPhen-2: "Benign"; Align-GVGD: "Class C0". The isoleucine amino acid residue is found in multiple mammalian species, which suggests that this missense change does not adversely affect protein function. This variant is present in population databases (rs145456417, gnomAD 0.2%), and has an allele count higher than expected for a pathogenic variant. This sequence change replaces valine, which is neutral and non-polar, with isoleucine, which is neutral and non-polar, at codon 529 of the YME1L1 protein (p.Val529Ile).